The following is an entry in ClinVar:

ClinVar aggregate classification (germline): Uncertain significance. Review status: criteria provided, multiple submitters, no conflicts (2 of 4 stars). 4 submissions from 4 submitters: Uncertain significance (3). 1 of the submissions does not count toward it. Last evaluated 2025-08-09.

Conditions:
ABHD5-related disorder. Also called: ABHD5-related condition.
Inborn genetic diseases. Identifiers: MedGen C0950123, MeSH D030342.

Allele frequency attached by ClinVar (database versions not stated): ExAC 0.00001; gnomAD 0.00007; TOPMed 0.00012; 1000 Genomes Project 30x 0.00016; 1000 Genomes Project 0.00020.
gnomAD v4.1: 22 of 1,614,134 alleles (0.0014%); highest among the groups gnomAD compares: African/African-American, 0.023%; no homozygotes.

Submissions (4):

Ambry Genetics
Classification: Uncertain significance for Inborn genetic diseases. Last evaluated: 2025-08-09. Review status: criteria provided, single submitter. Criteria: Ambry Variant Classification Scheme 2023. Collection method: clinical testing. Allele origin: germline.

GeneDx
Classification: Uncertain significance. Last evaluated: 2025-01-17. Review status: criteria provided, single submitter. Criteria: GeneDx Variant Classification Process June 2021. Collection method: clinical testing. Allele origin: germline. Affected: yes.
Comment: In silico analysis supports that this missense variant has a deleterious effect on protein structure/function; Has not been previously published as pathogenic or benign to our knowledge

Mayo Clinic Laboratories, Mayo Clinic
Classification: Uncertain significance. Last evaluated: 2023-08-07. Review status: criteria provided, single submitter. Criteria: ACMG Guidelines, 2015. Collection method: clinical testing. Allele origin: germline. Observed: 1 variant allele.
Comment: PP3

PreventionGenetics, part of Exact Sciences
Classification: Uncertain significance for ABHD5-related condition. Last evaluated: 2024-06-16. Review status: no assertion criteria provided. Collection method: clinical testing. Allele origin: germline. Not counted in ClinVar's aggregate classification.
Comment: The ABHD5 c.352C>A variant is predicted to result in the amino acid substitution p.Pro118Thr. To our knowledge, this variant has not been reported in the literature. This variant is reported in 0.020% of alleles in individuals of African descent in gnomAD. At this time, the clinical significance of this variant is uncertain due to the absence of conclusive functional and genetic evidence.

NM_016006.6(ABHD5):c.352C>A (p.Pro118Thr)

Gene: ABHD5 (abhydrolase domain containing 5, lysophosphatidic acid acyltransferase; plus strand). Cytogenetic location: 3p21.33.
Variant type: single nucleotide variant.
Coding change: c.352C>A on transcript NM_016006.6 (MANE Select); coding-DNA position 352, C replaced by A.
Protein change: p.Pro118Thr; replaces proline 118 with threonine.
Molecular consequence: missense variant. On other transcripts: non-coding transcript variant (1).
Genome position (GRCh38, 1-based): chr3:43,702,433, C>A. VCF-style: chr3-43702433-C-A. GRCh37 (hg19) VCF-style: chr3-43743925-C-A.
Other names: p.Pro118Thr; c.352C>A, p.Pro118Thr (NM_001355186.2, NM_001365650.1); c.229C>A, p.Pro77Thr (NM_001365649.1); short protein forms P118T, P77T.
Identifiers: ClinVar variation 2218462 (VCV002218462.6), dbSNP rs573378765, ClinGen allele CA2341322.